The following is an entry in ClinVar:

NM_006265.3(RAD21):c.1888A>G (p.Ile630Val)

Gene: RAD21 (RAD21 cohesin complex component; minus strand). Cytogenetic location: 8q24.11.
Variant type: single nucleotide variant.
Coding change: c.1888A>G on transcript NM_006265.3 (MANE Select); coding-DNA position 1888, A replaced by G.
Protein change: p.Ile630Val; replaces isoleucine 630 with valine.
Molecular consequence: missense variant.
Genome position (GRCh38, 1-based): chr8:116,847,508, T>C on the plus strand (A>G on the coding strand, the complement: RAD21 is on the minus strand). VCF-style: chr8-116847508-T-C. GRCh37 (hg19) VCF-style: chr8-117859747-T-C.
Other names: short protein forms I630V.
Identifiers: ClinVar variation 3026203 (VCV003026203.24), dbSNP rs769825200, ClinGen allele CA4852672.

ClinVar aggregate classification (germline): Uncertain significance. Review status: criteria provided, multiple submitters, no conflicts (2 of 4 stars). 2 submissions from 2 submitters: Uncertain significance (2). Last evaluated 2024-03-08.

Conditions:
Cornelia de Lange syndrome 4 (CDLS4). Also called: CORNELIA DE LANGE SYNDROME 4 WITH OR WITHOUT MIDLINE BRAIN DEFECTS; RAD21-Related Cornelia de Lange Syndrome. Identifiers: Orphanet 199, MedGen C3553517, MONDO:0013864, OMIM 614701.

Allele frequency attached by ClinVar (database versions not stated): gnomAD exomes below 0.00001; ExAC 0.00001; gnomAD 0.00001; TOPMed 0.00001.
gnomAD v4.1: 8 of 1,609,058 alleles (0.0005%); highest among the groups gnomAD compares: Admixed American, 0.0017%; no homozygotes.

Submissions (2):

Labcorp Genetics (formerly Invitae), Labcorp
Classification: Uncertain significance for Cornelia de Lange syndrome 4. Last evaluated: 2024-03-08. Review status: criteria provided, single submitter. Criteria: Invitae Variant Classification Sherloc (09022015). Collection method: clinical testing. Allele origin: germline.
Comment: This sequence change replaces isoleucine, which is neutral and non-polar, with valine, which is neutral and non-polar, at codon 630 of the RAD21 protein (p.Ile630Val). This variant is present in population databases (rs769825200, gnomAD 0.0009%). This variant has not been reported in the literature in individuals affected with RAD21-related conditions. An algorithm developed to predict the effect of missense changes on protein structure and function (PolyPhen-2) suggests that this variant is likely to be tolerated. In summary, the available evidence is currently insufficient to determine the role of this variant in disease. Therefore, it has been classified as a Variant of Uncertain Significance.

CeGaT Center for Human Genetics Tuebingen
Classification: Uncertain significance. Last evaluated: 2024-03-01. Review status: criteria provided, single submitter. Criteria: CeGaT Center For Human Genetics Tuebingen Variant Classification Criteria Version 2. Collection method: clinical testing. Allele origin: germline. Affected: yes. Observed: 1 variant allele.